The following is an entry in ClinVar:

ClinVar aggregate classification (germline): Uncertain significance (1 of 4 stars; one submission).

Conditions:
Myofibrillar myopathy 4. Also called: Zaspopathy (type). Identifiers: Orphanet 98912, MedGen C4721886, MONDO:0012277, OMIM 609452.

Submission:

Labcorp Genetics (formerly Invitae), Labcorp
Classification: Uncertain significance for Myofibrillar myopathy 4. Last evaluated: 2026-01-14. Review status: criteria provided, single submitter. Criteria: Invitae Variant Classification Sherloc (09022015). Collection method: clinical testing. Allele origin: germline.
Comment: The LDB3 gene has multiple clinically relevant transcripts. This variant occurs in alternate transcript NM_007078.3, and corresponds to NM_001080116.1:c.*16947_*16948delinsGG in the primary transcript. This sequence change falls in intron 9 of the LDB3 gene. It does not directly change the encoded amino acid sequence of the LDB3 protein. Information on the frequency of this variant in the gnomAD database is not available, as this variant may be reported differently in the database. This variant has not been reported in the literature in individuals affected with LDB3-related conditions. Experimental studies and prediction algorithms are not available or were not evaluated, and the effect of this variant on mRNA splicing is currently unknown. In summary, the available evidence is currently insufficient to determine the role of this variant in disease. Therefore, it has been classified as a Variant of Uncertain Significance.

NM_007078.3(LDB3):c.1232-6_1232-5delinsGG

Gene: LDB3 (LIM domain binding 3; plus strand). Cytogenetic location: 10q23.2.
Variant type: Indel.
Coding change: c.1232-6_1232-5delinsGG on transcript NM_007078.3 (MANE Select); 6 bases into the intron before coding-DNA position 1232 through 5 bases into the intron before coding-DNA position 1232, TT replaced by GG.
Molecular consequence: intron variant.
Genome position (GRCh38, 1-based): chr10:86,716,321-86,716,322, TT replaced by GG. VCF-style: chr10-86716321-TT-GG. GRCh37 (hg19) VCF-style: chr10-88476078-TT-GG.
Other names: c.1043-6_1043-5delinsGG (NM_001368064.1, NM_001368065.1); c.1247-6_1247-5delinsGG (NM_001171610.2); c.1091-6_1091-5delinsGG (NM_001368066.1); c.902-6_902-5delinsGG (NM_001080114.2).
Identifiers: ClinVar variation 2166881 (VCV002166881.4), dbSNP rs2492806971, ClinGen allele CA2580082231.